The following is an entry in ClinVar:

NM_003239.5(TGFB3):c.351C>G (p.His117Gln)

Gene: TGFB3 (transforming growth factor beta 3; minus strand). Cytogenetic location: 14q24.3.
Variant type: single nucleotide variant.
Coding change: c.351C>G on transcript NM_003239.5 (MANE Select); coding-DNA position 351, C replaced by G.
Protein change: p.His117Gln; replaces histidine 117 with glutamine.
Molecular consequence: missense variant.
Genome position (GRCh38, 1-based): chr14:75,980,543, G>C on the plus strand (C>G on the coding strand, the complement: TGFB3 is on the minus strand). VCF-style: chr14-75980543-G-C. GRCh37 (hg19) VCF-style: chr14-76446886-G-C.
Other names: c.351C>G, p.His117Gln (NM_001329938.2, NM_001329939.2); short protein forms H117Q.
Identifiers: ClinVar variation 1732239 (VCV001732239.2), dbSNP rs375232060, ClinGen allele CA390470812.

ClinVar aggregate classification (germline): Uncertain significance (1 of 4 stars; one submission).

Conditions:
Familial thoracic aortic aneurysm and aortic dissection (TAAD). Also called: Thoracic aortic aneurysms and dissections. Identifiers: Orphanet 91387, MedGen C4707243, MONDO:0019625.

gnomAD v4.1: 2 of 1,614,194 alleles (0.00012%); highest among the groups gnomAD compares: Non-Finnish European, 0.00017%; no homozygotes.

Submission:

Ambry Genetics
Classification: Uncertain significance for Familial thoracic aortic aneurysm and aortic dissection. Last evaluated: 2022-07-11. Review status: criteria provided, single submitter. Criteria: Ambry Variant Classification Scheme 2023. Collection method: clinical testing. Allele origin: germline.
Comment: The p.H117Q variant (also known as c.351C>G), located in coding exon 1 of the TGFB3 gene, results from a C to G substitution at nucleotide position 351. The histidine at codon 117 is replaced by glutamine, an amino acid with highly similar properties. This amino acid position is conserved. In addition, this alteration is predicted to be tolerated by in silico analysis. Since supporting evidence is limited at this time, the clinical significance of this alteration remains unclear.